The following is an entry in ClinVar:

ClinVar aggregate classification (germline): Likely benign (0 of 4 stars; one submission).

Conditions:
NFASC-related disorder. Also called: NFASC-related condition.

Allele frequency attached by ClinVar (database versions not stated): TOPMed 0.00013; gnomAD 0.00014; ESP Exome Variant Server 0.00015; gnomAD exomes 0.00035; ExAC 0.00048; 1000 Genomes Project 0.00060; 1000 Genomes Project 30x 0.00078.
gnomAD v4.1: 552 of 1,614,070 alleles (0.034%); highest among the groups gnomAD compares: Middle Eastern, 0.53%; 8 homozygotes.

Submission:

PreventionGenetics, part of Exact Sciences
Classification: Likely benign for NFASC-related condition. Last evaluated: 2022-09-13. Review status: no assertion criteria provided. Collection method: clinical testing. Allele origin: germline.
Comment: This variant is classified as likely benign based on ACMG/AMP sequence variant interpretation guidelines (Richards et al. 2015 PMID: 25741868, with internal and published modifications).

NM_001160331.2(NFASC):c.2801A>G (p.Lys934Arg)

Gene: NFASC (neurofascin; plus strand). Cytogenetic location: 1q32.1.
Variant type: single nucleotide variant.
Coding change: c.2801A>G on transcript NM_001160331.2 (MANE Plus Clinical); coding-DNA position 2801, A replaced by G.
Protein change: p.Lys934Arg; replaces lysine 934 with arginine.
Molecular consequence: missense variant. On other transcripts: intron variant (2).
Genome position (GRCh38, 1-based): chr1:204,986,091, A>G. VCF-style: chr1-204986091-A-G. GRCh37 (hg19) VCF-style: chr1-204955219-A-G.
Other names: c.2756A>G, p.Lys919Arg (NM_001160332.2, NM_015090.4); c.2768A>G, p.Lys923Arg (NM_001378329.1); c.2471-1327A>G (NM_001005388.3); c.2459-1327A>G (NM_001365986.1); short protein forms K919R, K923R, K934R.
Identifiers: ClinVar variation 3035189 (VCV003035189.2), dbSNP rs148110537, ClinGen allele CA1350350.